The following is an entry in ClinVar:

ClinVar aggregate classification (germline): Uncertain significance (1 of 4 stars; one submission).

Conditions:
Intellectual developmental disorder, autosomal dominant 52. Also called: Intellectual disability, autosomal dominant 52; Mental retardation, autosomal dominant 52. Identifiers: MedGen C4540478, MONDO:0030918, OMIM 617796.

Allele frequency attached by ClinVar (database versions not stated): gnomAD exomes below 0.00001; TOPMed below 0.00001; gnomAD 0.00001.
gnomAD v4.1: 3 of 1,613,756 alleles (0.00019%); highest among the groups gnomAD compares: Admixed American, 0.0033%; no homozygotes.

Submission:

Rady Children's Institute for Genomic Medicine, Rady Children's Hospital San Diego
Classification: Uncertain significance for Mental retardation, autosomal dominant 52. Review status: criteria provided, single submitter. Criteria: ACMG Guidelines, 2015. Collection method: clinical testing. Allele origin: germline. Affected: yes. Study: CSER-NYCKidSeq.
Comment: This variant has not been previously reported or functionally characterized in the literature to our knowledge. It is present in the heterozygous state in the gnomAD population database at a frequency of 0.0004% (1/249264) and thus is presumed to be rare. The c.2002T>A (p.Ser668Thr) variant affects a highly conserved amino acid and is predicted by multiple in silico tools to have a deleterious effect on protein function. The ASH1L gene is highly constrained (Z-score= 3.47 and pLI = 1), which suggests it is intolerant to variation. Based on the available evidence, the c.2002T>A (p.Ser668Thr) variant is classified as Variant of Uncertain Significance.

NM_018489.3(ASH1L):c.2002T>A (p.Ser668Thr)

Gene: ASH1L (ASH1 like histone lysine methyltransferase; minus strand). Cytogenetic location: 1q22.
Variant type: single nucleotide variant.
Coding change: c.2002T>A on transcript NM_018489.3 (MANE Select); coding-DNA position 2002, T replaced by A.
Protein change: p.Ser668Thr; replaces serine 668 with threonine.
Molecular consequence: missense variant.
Genome position (GRCh38, 1-based): chr1:155,480,868, A>T on the plus strand (T>A on the coding strand, the complement: ASH1L is on the minus strand). VCF-style: chr1-155480868-A-T. GRCh37 (hg19) VCF-style: chr1-155450659-A-T.
Other names: c.2002T>A, p.Ser668Thr (NM_001366177.2); short protein forms S668T.
Identifiers: ClinVar variation 1301875 (VCV001301875.1), dbSNP rs1024108484, ClinGen allele CA30914621.